The following is an entry in ClinVar:

ClinVar aggregate classification (germline): Uncertain significance (1 of 4 stars; one submission).

Conditions:
Cardiomyopathy (CMYO). Also called: Cardiomyopathies. Identifiers: Orphanet 167848, MedGen C0878544, MONDO:0004994, HP:0001638. Inheritance: Various modes of inheritance.

gnomAD v4.1: 9 of 1,614,030 alleles (0.00056%); highest among the groups gnomAD compares: South Asian, 0.0099%; no homozygotes.

Submission:

Color Diagnostics, LLC DBA Color Health
Classification: Uncertain significance for Cardiomyopathy. Last evaluated: 2025-01-27. Review status: criteria provided, single submitter. Criteria: ACMG Guidelines, 2015. Collection method: clinical testing. Allele origin: germline.
Comment: This missense variant replaces alanine with valine at codon 2564 of the RYR2 protein. Computational prediction suggests that this variant may have deleterious impact on protein structure and function. To our knowledge, functional studies have not been reported for this variant. This variant has not been reported in individuals affected with RYR2-related disorders in the literature. This variant has been identified in 3/249284 chromosomes in the general population by the Genome Aggregation Database (gnomAD). The available evidence is insufficient to determine the role of this variant in disease conclusively. Therefore, this variant is classified as a Variant of Uncertain Significance.

NM_001035.3(RYR2):c.7691C>T (p.Ala2564Val)

Gene: RYR2 (ryanodine receptor 2; plus strand). Cytogenetic location: 1q43.
Variant type: single nucleotide variant.
Coding change: c.7691C>T on transcript NM_001035.3 (MANE Select); coding-DNA position 7691, C replaced by T.
Protein change: p.Ala2564Val; replaces alanine 2564 with valine.
Molecular consequence: missense variant.
Genome position (GRCh38, 1-based): chr1:237,650,055, C>T. VCF-style: chr1-237650055-C-T. GRCh37 (hg19) VCF-style: chr1-237813355-C-T.
Other names: short protein forms A2564V.
Identifiers: ClinVar variation 3894172 (VCV003894172.1).
Genomic context (GRCh38, chr1:237,650,055, plus strand): 5'-TCATTGACTCATTACTTCATACTGTGTATAGACTTTCTAAGGGCTGTTCACTTACCAAAG[C>T]TCAGCGGGATTCCATAGAAGTTTGTTTACTCTCTATTTGTGGGTGAGTGGATAACAAATT-3'
Protein context (NP_001026.2, residues 2554-2574): RLSKGCSLTK[Ala2564Val]QRDSIEVCLL